The following is an entry in ClinVar:

NM_004036.5(ADCY3):c.3145G>A (p.Val1049Ile)

Genes: ADCY3 (adenylate cyclase 3; minus strand), CENPO (centromere protein O; plus strand). Cytogenetic location: 2p23.3.
Variant type: single nucleotide variant.
Coding change: c.3145G>A on transcript NM_004036.5 (MANE Select); coding-DNA position 3145, G replaced by A.
Protein change: p.Val1049Ile; replaces valine 1049 with isoleucine.
Molecular consequence: missense variant. On other transcripts: 3 prime UTR variant (3), non-coding transcript variant (3).
Genome position (GRCh38, 1-based): chr2:24,820,831, C>T on the plus strand (G>A on the coding strand, the complement: ADCY3 is on the minus strand). VCF-style: chr2-24820831-C-T. GRCh37 (hg19) VCF-style: chr2-25043700-C-T.
Other names: c.3148G>A, p.Val1050Ile (NM_001320613.2); c.3211G>A, p.Val1071Ile (NM_001377128.1); c.3007G>A, p.Val1003Ile (NM_001377129.1); c.2593G>A, p.Val865Ile (NM_001377130.1); c.2422G>A, p.Val808Ile (NM_001377131.1); c.3145G>A, p.Val1049Ile (NM_001377132.1); c.*1513C>T (NM_001199803.3, NM_001322101.2, NM_024322.4); short protein forms V1049I, V1071I, V808I, V1050I, V865I, V1003I.
Identifiers: ClinVar variation 4994191 (VCV004994191.1).

ClinVar aggregate classification (germline): Uncertain significance (1 of 4 stars; one submission).

Conditions:
ADCY3-related disorder. Also called: ADCY3-related condition.

Submission:

PreventionGenetics, part of Exact Sciences
Classification: Uncertain significance for ADCY3-related condition. Last evaluated: 2026-05-22. Review status: criteria provided, single submitter. Criteria: ACMG Guidelines, 2015. Collection method: clinical testing. Allele origin: germline.
Comment: The ADCY3 c.3148G>A variant is predicted to result in the amino acid substitution p.Val1050Ile. To our knowledge, this variant has not been reported in the literature or in a large population database (gnomAD), indicating this variant is rare. At this time, the clinical significance of this variant is uncertain due to the absence of conclusive functional and genetic evidence.